The following is an entry in ClinVar:

NM_000512.5(GALNS):c.319G>T (p.Ala107Ser)

Gene: GALNS (galactosamine (N-acetyl)-6-sulfatase; minus strand). Cytogenetic location: 16q24.3.
Variant type: single nucleotide variant.
Coding change: c.319G>T on transcript NM_000512.5 (MANE Select); coding-DNA position 319, G replaced by T.
Protein change: p.Ala107Ser; replaces alanine 107 with serine.
Molecular consequence: missense variant. On other transcripts: 5 prime UTR variant (1).
Genome position (GRCh38, 1-based): chr16:88,841,897, C>A on the plus strand (G>T on the coding strand, the complement: GALNS is on the minus strand). VCF-style: chr16-88841897-C-A. GRCh37 (hg19) VCF-style: chr16-88908305-C-A.
Other names: c.-237G>T (NM_001323543.2); c.337G>T, p.Ala113Ser (NM_001323544.2); short protein forms A107S, A113S.
Identifiers: ClinVar variation 1048186 (VCV001048186.3), dbSNP rs763184657, ClinGen allele CA397088852.

ClinVar aggregate classification (germline): Uncertain significance (1 of 4 stars; one submission).

Conditions:
Mucopolysaccharidosis, MPS-IV-A (MPS4A). Also called: Mucopolysaccharidosis type IV A; Mucopolysaccharidosis Type IVA; Morquio syndrome A, mild; MORQUIO SYNDROME A; MPS IVA; mucopolysaccharidosis type 4A. Identifiers: Orphanet 309297, Orphanet 582, MedGen C0086651, MONDO:0009659, OMIM 253000.

Submission:

Laboratory of Diagnosis and Therapy of Lysosomal Disorders, University of Padova
Classification: Uncertain significance for Mucopolysaccharidosis, MPS-IV-A. Last evaluated: 2021-02-01. Review status: criteria provided, single submitter. Criteria: ACMG Guidelines, 2015. Collection method: curation. Allele origin: germline. Affected: yes.
Comment: Absent from gnomAD v2.1.1 (PM2_moderate)

Literature cited by the submitters: PubMed 29731656; PubMed 34387910.